The following is an entry in ClinVar:

NM_152564.5(VPS13B):c.2778del (p.Phe927fs)

Gene: VPS13B (vacuolar protein sorting 13 homolog B; plus strand). Cytogenetic location: 8q22.2.
Variant type: Deletion.
Coding change: c.2778del on transcript NM_152564.5 (MANE Select); coding-DNA position 2778, one base deleted (C; older notation c.2778delC).
Protein change: p.Phe927fs; shifts the reading frame from phenylalanine 927.
Molecular consequence: frameshift variant.
Genome position (GRCh38, 1-based): chr8:99,275,208, C deleted; the last of 2 consecutive C bases (chr8:99,275,207-99,275,208); deleting either gives the same sequence. VCF-style (leftmost placement, unchanged base first): chr8-99275206-GC-G. GRCh37 (hg19) VCF-style: chr8-100287434-GC-G.
Other names: c.2778del, p.Phe927fs (NM_017890.5); short protein forms F927fs.
Identifiers: ClinVar variation 970409 (VCV000970409.7), dbSNP rs1818830393, ClinGen allele CA1139660689.

ClinVar aggregate classification (germline): Pathogenic (1 of 4 stars; one submission).

Conditions:
Cohen syndrome (COH1). Also called: Cutis verticis gyrata, retinitis pigmentosa, and sensorineural deafness; PEPPER SYNDROME. Identifiers: Orphanet 193, MedGen C0265223, MONDO:0008999, OMIM 216550.

Submission:

Labcorp Genetics (formerly Invitae), Labcorp
Classification: Pathogenic for Cohen syndrome. Last evaluated: 2020-11-21. Review status: criteria provided, single submitter. Criteria: Invitae Variant Classification Sherloc (09022015). Collection method: clinical testing. Allele origin: germline.
Comment: This sequence change creates a premature translational stop signal (p.Phe927Serfs*26) in the VPS13B gene. It is expected to result in an absent or disrupted protein product. Loss-of-function variants in VPS13B are known to be pathogenic (PMID: 15141358, 16648375, 20461111). This variant is not present in population databases (ExAC no frequency). This variant has not been reported in the literature in individuals with VPS13B-related conditions. ClinVar contains an entry for this variant (Variation ID: 970409). For these reasons, this variant has been classified as Pathogenic.

Literature cited by the submitters: PubMed 15141358; PubMed 16648375; PubMed 20461111.